The following is an entry in ClinVar:

NC_000023.10:g.(?_32235013)_(32398817_?)dup

Gene: DMD (dystrophin; minus strand). Cytogenetic location: Xp21.1.
Variant type: Duplication.
Identifiers: ClinVar variation 1511319 (VCV001511319.5).

ClinVar aggregate classification (germline): Likely pathogenic (1 of 4 stars; one submission).

Conditions:
Duchenne muscular dystrophy (DMD). Also called: Duchenne Muscular Dystrophy (DMD); MUSCULAR DYSTROPHY, PSEUDOHYPERTROPHIC PROGRESSIVE, DUCHENNE TYPE. Identifiers: Orphanet 98896, MedGen C0013264, MONDO:0010679, OMIM 310200.

Submission:

Labcorp Genetics (formerly Invitae), Labcorp
Classification: Likely pathogenic for Duchenne muscular dystrophy. Last evaluated: 2021-10-09. Review status: criteria provided, single submitter. Criteria: Invitae Variant Classification Sherloc (09022015). Collection method: clinical testing. Allele origin: germline.
Comment: In summary, the currently available evidence indicates that the variant is pathogenic, but additional data are needed to prove that conclusively. Therefore, this variant has been classified as Likely Pathogenic. A similar copy number variant has been observed in individuals with DMD-related conditions (PMID: 26911353, 31705731; Invitae). This variant results in a copy number gain of the genomic region encompassing exon(s) 34-44 of the DMD gene. While the exact position of this variant cannot be determined from the data, sub-genic copy number gains are generally in tandem (PMID: 25640679). This variant is predicted to be in-frame, and likely preserves the integrity of the reading frame.

Literature cited by the submitters: PubMed 26911353; PubMed 31705731; PubMed 25640679.